The following is an entry in ClinVar:

NM_006904.7(PRKDC):c.11071A>G (p.Lys3691Glu)

Gene: PRKDC (protein kinase, DNA-activated, catalytic subunit; minus strand). Cytogenetic location: 8q11.21.
Variant type: single nucleotide variant.
Coding change: c.11071A>G on transcript NM_006904.7 (MANE Select); coding-DNA position 11071, A replaced by G.
Protein change: p.Lys3691Glu; replaces lysine 3691 with glutamic acid.
Molecular consequence: missense variant.
Genome position (GRCh38, 1-based): chr8:47,785,149, T>C on the plus strand (A>G on the coding strand, the complement: PRKDC is on the minus strand). VCF-style: chr8-47785149-T-C. GRCh37 (hg19) VCF-style: chr8-48697710-T-C.
Other names: c.11071A>G, p.Lys3691Glu (NM_001081640.2); short protein forms K3691E.
Identifiers: ClinVar variation 1793835 (VCV001793835.2), dbSNP rs2551860886, ClinGen allele CA371130894.
Genomic context (GRCh38, chr8:47,785,149, plus strand): 5'-TGTCACCCCTGGAGGTTAACTCACCGGGAATCTCCAGCTCATTTCTCAGGAACTCCACTT[T>C]GAAGTCGCTCATCCAGGGTGAACATTCTTTCAGATTCCCAGGGGGCTTTGAGTCTTTGTT-3'
Protein context (NP_008835.5, residues 3681-3701): KECSPWMSDF[Lys3691Glu]VEFLRNELEI

ClinVar aggregate classification (germline): Uncertain significance (1 of 4 stars; one submission).

Submission:

Ambry Genetics
Classification: Uncertain significance. Last evaluated: 2021-12-12. Review status: criteria provided, single submitter. Criteria: Ambry Variant Classification Scheme 2023. Collection method: clinical testing. Allele origin: germline.
Comment: The p.K3691E variant (also known as c.11071A>G), located in coding exon 77 of the PRKDC gene, results from an A to G substitution at nucleotide position 11071. The lysine at codon 3691 is replaced by glutamic acid, an amino acid with similar properties. This amino acid position is conserved. In addition, this alteration is predicted to be tolerated by in silico analysis. Since supporting evidence is limited at this time, the clinical significance of this alteration remains unclear.